The following is an entry in ClinVar:

NM_002314.4(LIMK1):c.567G>A (p.Pro189=)

Gene: LIMK1 (LIM domain kinase 1; plus strand). Cytogenetic location: 7q11.23.
Variant type: single nucleotide variant.
Coding change: c.567G>A on transcript NM_002314.4 (MANE Select); coding-DNA position 567, G replaced by A.
Protein change: p.Pro189=; no amino-acid change (proline 189 retained).
Molecular consequence: synonymous variant.
Genome position (GRCh38, 1-based): chr7:74,099,197, G>A. VCF-style: chr7-74099197-G-A. GRCh37 (hg19) VCF-style: chr7-73513527-G-A.
Other names: c.465G>A, p.Pro155= (NM_001204426.2).
Identifiers: ClinVar variation 2657584 (VCV002657584.24), dbSNP rs143025582, ClinGen allele CA4293629.

ClinVar aggregate classification (germline): Likely benign (1 of 4 stars; one submission).

Allele frequency attached by ClinVar (database versions not stated): gnomAD exomes 0.00004; TOPMed 0.00006; ExAC 0.00007; gnomAD 0.00007; 1000 Genomes Project 30x 0.00016; 1000 Genomes Project 0.00020; ESP Exome Variant Server 0.00031.
gnomAD v4.1: 71 of 1,610,268 alleles (0.0044%); highest among the groups gnomAD compares: Admixed American, 0.01%; no homozygotes.

Submission:

CeGaT Center for Human Genetics Tuebingen
Classification: Likely benign. Last evaluated: 2022-09-01. Review status: criteria provided, single submitter. Criteria: CeGaT Center For Human Genetics Tuebingen Variant Classification Criteria Version 2. Collection method: clinical testing. Allele origin: germline. Affected: yes. Observed: 1 variant allele.
Comment: LIMK1: BP4, BP7